The following is an entry in ClinVar:

ClinVar aggregate classification (germline): Likely pathogenic. Review status: criteria provided, single submitter (1 of 4 stars). 2 submissions from 1 submitter: Likely pathogenic (1). 1 of the submissions does not count toward it. Last evaluated 2024-03-25.

Conditions:
Cranioectodermal dysplasia 1 (CED1). Also called: LEVIN SYNDROME I. Identifiers: Orphanet 1515, MedGen C0432235, MONDO:0021093, OMIM 218330.

Submissions (2):

Genomic Medicine Center of Excellence, King Faisal Specialist Hospital and Research Centre
Classification: Likely pathogenic for Cranioectodermal dysplasia 1. Last evaluated: 2024-03-25. Review status: criteria provided, single submitter. Criteria: ACMG Guidelines, 2015. Collection method: clinical testing. Allele origin: germline.

Genomic Medicine Center of Excellence, King Faisal Specialist Hospital and Research Centre
Classification: Likely pathogenic. Review status: flagged submission. Criteria: ACMG Guidelines, 2015. Collection method: research. Allele origin: germline. Affected: yes. Not counted in ClinVar's aggregate classification.
ClinVar note: Reason: This record appears to be redundant with a more recent record from the same submitter.
ClinVar note: Notes: SCV000221567 appears to be redundant with SCV004805980.

NM_052989.3(IFT122):c.1715G>T (p.Gly572Val)

Gene: IFT122 (intraflagellar transport 122; plus strand). Cytogenetic location: 3q21.3.
Variant type: single nucleotide variant.
Coding change: c.1715G>T on transcript NM_052989.3 (MANE Select); coding-DNA position 1715, G replaced by T.
Protein change: p.Gly572Val; replaces glycine 572 with valine.
Molecular consequence: missense variant.
Genome position (GRCh38, 1-based): chr3:129,483,546, G>T. VCF-style: chr3-129483546-G-T. GRCh37 (hg19) VCF-style: chr3-129202389-G-T.
Other names: c.1691G>T, p.Gly564Val (NM_001280541.2); c.1265G>T, p.Gly422Val (NM_001280545.2); c.1088G>T, p.Gly363Val (NM_001280546.2); c.1538G>T, p.Gly513Val (NM_018262.4); c.1868G>T, p.Gly623Val (NM_052985.4); c.1382G>T, p.Gly461Val (NM_052990.3); short protein forms G623V, G363V, G422V, G461V, G513V, G564V, G572V.
Identifiers: ClinVar variation 191184 (VCV000191184.2), dbSNP rs786205566, ClinGen allele CA236202.